The following is an entry in ClinVar:

ClinVar aggregate classification (germline): Uncertain significance (1 of 4 stars; one submission).

Conditions:
Familial temporal lobe epilepsy 7. Identifiers: Orphanet 101046, MedGen C4225327, MONDO:0014639, OMIM 616436.
Norman-Roberts syndrome (LIS2). Also called: Lissencephaly 2 (Norman-Roberts type). Identifiers: Orphanet 89844, MedGen C0796089, MONDO:0009760, OMIM 257320.

Allele frequency attached by ClinVar (database versions not stated): gnomAD exomes below 0.00001; TOPMed below 0.00001.
gnomAD v4.1: 1 of 1,613,756 alleles (0.000062%); highest among the groups gnomAD compares: Non-Finnish European, 0.000085%; no homozygotes.

Submission:

Labcorp Genetics (formerly Invitae), Labcorp
Classification: Uncertain significance for Familial temporal lobe epilepsy 7; Norman-Roberts syndrome. Last evaluated: 2024-05-21. Review status: criteria provided, single submitter. Criteria: Invitae Variant Classification Sherloc (09022015). Collection method: clinical testing. Allele origin: germline.
Comment: This sequence change falls in intron 12 of the RELN gene. It does not directly change the encoded amino acid sequence of the RELN protein. It affects a nucleotide within the consensus splice site. This variant is not present in population databases (gnomAD no frequency). This variant has not been reported in the literature in individuals affected with RELN-related conditions. ClinVar contains an entry for this variant (Variation ID: 1472203). Variants that disrupt the consensus splice site are a relatively common cause of aberrant splicing (PMID: 17576681, 9536098). Algorithms developed to predict the effect of sequence changes on RNA splicing suggest that this variant may disrupt the consensus splice site. In summary, the available evidence is currently insufficient to determine the role of this variant in disease. Therefore, it has been classified as a Variant of Uncertain Significance.

Literature cited by the submitters: PubMed 17576681; PubMed 9536098.

NM_005045.4(RELN):c.1441+5G>A

Genes: RELN (reelin; minus strand), LOC126860131 (MED14-independent group 3 enhancer GRCh37_chr7:103301048-103302247; plus strand). Cytogenetic location: 7q22.1.
Variant type: single nucleotide variant.
Coding change: c.1441+5G>A on transcript NM_005045.4 (MANE Select); 5 bases into the intron after coding-DNA position 1441, G replaced by A.
Molecular consequence: intron variant.
Genome position (GRCh38, 1-based): chr7:103,661,371, C>T on the plus strand (G>A on the coding strand, the complement: RELN is on the minus strand). VCF-style: chr7-103661371-C-T. GRCh37 (hg19) VCF-style: chr7-103301818-C-T.
Other names: c.1441+5G>A (NM_173054.3).
Identifiers: ClinVar variation 1472203 (VCV001472203.4), dbSNP rs1402939542, ClinGen allele CA830802699.